The following is an entry in ClinVar:

NM_001253697.2(ERBIN):c.1892A>G (p.Asn631Ser)

Gene: ERBIN (erbb2 interacting protein; plus strand). Cytogenetic location: 5q12.3.
Variant type: single nucleotide variant.
Coding change: c.1892A>G on transcript NM_001253697.2 (MANE Select); coding-DNA position 1892, A replaced by G.
Protein change: p.Asn631Ser; replaces asparagine 631 with serine.
Molecular consequence: missense variant.
Genome position (GRCh38, 1-based): chr5:66,048,770, A>G. VCF-style: chr5-66048770-A-G. GRCh37 (hg19) VCF-style: chr5-65344598-A-G.
Other names: c.1892A>G, p.Asn631Ser (NM_001006600.3, NM_001253698.2, NM_001253699.2 and 1 more transcripts); c.1880A>G, p.Asn627Ser (NM_001253701.2); short protein forms N627S, N631S.
Identifiers: ClinVar variation 3613566 (VCV003613566.2).

ClinVar aggregate classification (germline): Uncertain significance (1 of 4 stars; one submission).

gnomAD v4.1: 1 of 1,588,620 alleles (0.000063%); highest among the groups gnomAD compares: East Asian, 0.0023%; no homozygotes.

Submission:

Labcorp Genetics (formerly Invitae), Labcorp
Classification: Uncertain significance. Last evaluated: 2024-08-02. Review status: criteria provided, single submitter. Criteria: Invitae Variant Classification Sherloc (09022015). Collection method: clinical testing. Allele origin: germline.
Comment: This sequence change replaces asparagine, which is neutral and polar, with serine, which is neutral and polar, at codon 631 of the ERBIN protein (p.Asn631Ser). This variant is not present in population databases (gnomAD no frequency). This variant has not been reported in the literature in individuals affected with ERBIN-related conditions. An algorithm developed to predict the effect of missense changes on protein structure and function outputs the following: PolyPhen-2: "Benign". The serine amino acid residue is found in multiple mammalian species, which suggests that this missense change does not adversely affect protein function. In summary, the available evidence is currently insufficient to determine the role of this variant in disease. Therefore, it has been classified as a Variant of Uncertain Significance.